The following is an entry in ClinVar:

NM_001256789.3(CACNA1F):c.4848G>C (p.Leu1616Phe)

Genes: CACNA1F (calcium voltage-gated channel subunit alpha1 F; minus strand), LOC126863257 (BRD4-independent group 4 enhancer GRCh37_chrX:49065732-49066931; plus strand). Cytogenetic location: Xp11.23.
Variant type: single nucleotide variant.
Coding change: c.4848G>C on transcript NM_001256789.3 (MANE Select); coding-DNA position 4848, G replaced by C.
Protein change: p.Leu1616Phe; replaces leucine 1616 with phenylalanine.
Molecular consequence: missense variant.
Genome position (GRCh38, 1-based): chrX:49,209,367, C>G on the plus strand (G>C on the coding strand, the complement: CACNA1F is on the minus strand). VCF-style: chrX-49209367-C-G. GRCh37 (hg19) VCF-style: chrX-49065827-C-G.
Other names: c.4686G>C, p.Leu1562Phe (NM_001256790.3); c.4881G>C, p.Leu1627Phe (NM_005183.4); short protein forms L1562F, L1627F, L1616F.
Identifiers: ClinVar variation 1039591 (VCV001039591.9), dbSNP rs2065631924, ClinGen allele CA412960080.

ClinVar aggregate classification (germline): Uncertain significance (1 of 4 stars; one submission).

Submission:

Labcorp Genetics (formerly Invitae), Labcorp
Classification: Uncertain significance. Last evaluated: 2020-08-14. Review status: criteria provided, single submitter. Criteria: Invitae Variant Classification Sherloc (09022015). Collection method: clinical testing. Allele origin: germline.
Comment: In summary, the available evidence is currently insufficient to determine the role of this variant in disease. Therefore, it has been classified as a Variant of Uncertain Significance. Algorithms developed to predict the effect of missense changes on protein structure and function are either unavailable or do not agree on the potential impact of this missense change (SIFT: "Deleterious"; PolyPhen-2: "Benign"; Align-GVGD: "Class C0"). This variant has not been reported in the literature in individuals with CACNA1F-related conditions. This variant is not present in population databases (ExAC no frequency). This sequence change replaces leucine with phenylalanine at codon 1627 of the CACNA1F protein (p.Leu1627Phe). The leucine residue is highly conserved and there is a small physicochemical difference between leucine and phenylalanine.